The following is an entry in ClinVar:

NM_053025.4(MYLK):c.3908A>T (p.Glu1303Val)

Gene: MYLK (myosin light chain kinase; minus strand). Cytogenetic location: 3q21.1.
Variant type: single nucleotide variant.
Coding change: c.3908A>T on transcript NM_053025.4 (MANE Select); coding-DNA position 3908, A replaced by T.
Protein change: p.Glu1303Val; replaces glutamic acid 1303 with valine.
Molecular consequence: missense variant.
Genome position (GRCh38, 1-based): chr3:123,664,182, T>A on the plus strand (A>T on the coding strand, the complement: MYLK is on the minus strand). VCF-style: chr3-123664182-T-A. GRCh37 (hg19) VCF-style: chr3-123383029-T-A.
Other names: c.3380A>T, p.Glu1127Val (NM_001321309.2); c.3701A>T, p.Glu1234Val (NM_053026.4, NM_053028.4); c.3908A>T, p.Glu1303Val (NM_053027.4); short protein forms E1127V, E1234V, E1303V.
Identifiers: ClinVar variation 4741333 (VCV004741333.1).

ClinVar aggregate classification (germline): Uncertain significance (1 of 4 stars; one submission).

Conditions:
Aortic aneurysm, familial thoracic 7 (AAT7). Also called: AORTIC DISSECTION, FAMILIAL, WITH OR WITHOUT AORTIC ANEURYSM. Identifiers: MedGen C3151077, MONDO:0013418, OMIM 613780.

Submission:

Labcorp Genetics (formerly Invitae), Labcorp
Classification: Uncertain significance for Aortic aneurysm, familial thoracic 7. Last evaluated: 2025-11-15. Review status: criteria provided, single submitter. Criteria: Invitae Variant Classification Sherloc (09022015). Collection method: clinical testing. Allele origin: germline.
Comment: This sequence change replaces glutamic acid, which is acidic and polar, with valine, which is neutral and non-polar, at codon 1303 of the MYLK protein (p.Glu1303Val). This variant is not present in population databases (gnomAD no frequency). This variant has not been reported in the literature in individuals affected with MYLK-related conditions. Invitae Evidence Modeling of protein sequence and biophysical properties (such as structural, functional, and spatial information, amino acid conservation, physicochemical variation, residue mobility, and thermodynamic stability) indicates that this missense variant is not expected to disrupt MYLK protein function with a negative predictive value of 80%. In summary, the available evidence is currently insufficient to determine the role of this variant in disease. Therefore, it has been classified as a Variant of Uncertain Significance.